The following is an entry in ClinVar:

ClinVar aggregate classification (germline): Uncertain significance (1 of 4 stars; one submission).

Conditions:
Mevalonic aciduria (MEVA). Identifiers: Orphanet 29, MedGen C1959626, MONDO:0012481, OMIM 610377.
Hyperimmunoglobulin D with periodic fever (HIDS). Also called: Hyperimmunoglobulinemia D with periodic fever; HYPERIMMUNOGLOBULINEMIA D AND PERIODIC FEVER SYNDROME; Hyperimmunoglobulinemia D. Identifiers: Orphanet 343, MedGen C0398691, MONDO:0009849, OMIM 260920.
Porokeratosis 3, disseminated superficial actinic type (POROK3). Also called: POROKERATOSIS, DISSEMINATED SUPERFICIAL ACTINIC, 1; POROKERATOSIS 3, MULTIPLE TYPES; POROKERATOSIS 3, MIBELLI TYPE. Identifiers: MedGen C1867981, MONDO:0008293, OMIM 175900.

gnomAD v4.1: 6 of 1,614,072 alleles (0.00037%); highest among the groups gnomAD compares: Non-Finnish European, 0.00051%; no homozygotes.

Submission:

Labcorp Genetics (formerly Invitae), Labcorp
Classification: Uncertain significance for Mevalonic aciduria; Hyperimmunoglobulin D with periodic fever; Porokeratosis 3, disseminated superficial actinic type. Last evaluated: 2024-05-06. Review status: criteria provided, single submitter. Criteria: Invitae Variant Classification Sherloc (09022015). Collection method: clinical testing. Allele origin: germline.
Comment: This sequence change replaces valine, which is neutral and non-polar, with leucine, which is neutral and non-polar, at codon 278 of the MVK protein (p.Val278Leu). This variant is not present in population databases (gnomAD no frequency). This variant has not been reported in the literature in individuals affected with MVK-related conditions. Advanced modeling of protein sequence and biophysical properties (such as structural, functional, and spatial information, amino acid conservation, physicochemical variation, residue mobility, and thermodynamic stability) performed at Invitae indicates that this missense variant is not expected to disrupt MVK protein function with a negative predictive value of 80%. This variant disrupts the p.Val278 amino acid residue in MVK. Other variant(s) that disrupt this residue have been determined to be pathogenic (PMID: 22159817). This suggests that this residue is clinically significant, and that variants that disrupt this residue are likely to be disease-causing. In summary, the available evidence is currently insufficient to determine the role of this variant in disease. Therefore, it has been classified as a Variant of Uncertain Significance.

Literature cited by the submitters: PubMed 22159817.

NM_000431.4(MVK):c.832G>C (p.Val278Leu)

Gene: MVK (mevalonate kinase; plus strand). Cytogenetic location: 12q24.11.
Variant type: single nucleotide variant.
Coding change: c.832G>C on transcript NM_000431.4 (MANE Select); coding-DNA position 832, G replaced by C.
Protein change: p.Val278Leu; replaces valine 278 with leucine.
Molecular consequence: missense variant. On other transcripts: non-coding transcript variant (4).
Genome position (GRCh38, 1-based): chr12:109,591,304, G>C. VCF-style: chr12-109591304-G-C. GRCh37 (hg19) VCF-style: chr12-110029109-G-C.
Other names: c.832G>C, p.Val278Leu (NM_001114185.3, NM_001414511.1, NM_001414513.1); c.676G>C, p.Val226Leu (NM_001301182.2, NM_001414514.1); c.907G>C, p.Val303Leu (NM_001414512.1); c.250G>C, p.Val84Leu (NM_001414515.1); short protein forms V226L, V278L, V303L, V84L.
Identifiers: ClinVar variation 3751202 (VCV003751202.2).